The following is an entry in ClinVar:

ClinVar aggregate classification (germline): Likely pathogenic (1 of 4 stars; one submission).

Conditions:
Dilated cardiomyopathy 1G (CMD1G). Identifiers: Orphanet 154, MedGen C1858763, MONDO:0011400, OMIM 604145.
Autosomal recessive limb-girdle muscular dystrophy type 2J (LGMDR10). Also called: MUSCULAR DYSTROPHY, LIMB-GIRDLE, AUTOSOMAL RECESSIVE 10; Limb-girdle muscular dystrophy, type 2J. Identifiers: Orphanet 140922, MedGen C1837342, MONDO:0012127, OMIM 608807.

Submission:

Labcorp Genetics (formerly Invitae), Labcorp
Classification: Likely pathogenic for Dilated cardiomyopathy 1G; Autosomal recessive limb-girdle muscular dystrophy type 2J. Last evaluated: 2024-11-04. Review status: criteria provided, single submitter. Criteria: Invitae Variant Classification Sherloc (09022015). Collection method: clinical testing. Allele origin: germline.
Comment: This sequence change creates a premature translational stop signal (p.Lys13194*) in the TTN gene. While this is not anticipated to result in nonsense mediated decay, it is expected to create a truncated TTN protein. This variant is not present in population databases (gnomAD no frequency). This variant has not been reported in the literature in individuals affected with TTN-related conditions. ClinVar contains an entry for this variant (Variation ID: 1502813). Algorithms developed to predict the effect of sequence changes on RNA splicing suggest that this variant may disrupt the consensus splice site. This variant is located in the I band of TTN (PMID: 25589632). Truncating variants in this region have been reported in individuals affected with autosomal recessive centronuclear myopathy (PMID: 23975875, internal data). Truncating variants in this region have also been identified in individuals affected with autosomal dominant dilated cardiomyopathy and/or cardio-related conditions (PMID: 27869827, 32964742, internal data). In summary, the currently available evidence indicates that the variant is pathogenic, but additional data are needed to prove that conclusively. Therefore, this variant has been classified as Likely Pathogenic.

Literature cited by the submitters: PubMed 25589632; PubMed 23975875; PubMed 27869827; PubMed 32964742.

NM_001267550.2(TTN):c.39580A>T (p.Lys13194Ter)

Gene: TTN (titin; minus strand). Cytogenetic location: 2q31.2.
Variant type: single nucleotide variant.
Coding change: c.39580A>T on transcript NM_001267550.2 (MANE Select); coding-DNA position 39580, A replaced by T.
Protein change: p.Lys13194Ter; replaces lysine 13194 with a stop codon.
Molecular consequence: nonsense. On other transcripts: intron variant (3).
Genome position (GRCh38, 1-based): chr2:178,651,288, T>A on the plus strand (A>T on the coding strand, the complement: TTN is on the minus strand). VCF-style: chr2-178651288-T-A. GRCh37 (hg19) VCF-style: chr2-179516015-T-A.
Other names: c.35059A>T, p.Lys11687Ter (NM_001256850.1); c.13658-8971A>T (NM_133432.3); c.32278A>T, p.Lys10760Ter (NM_133378.4); c.13283-8971A>T (NM_003319.4); c.13859-8971A>T (NM_133437.4); short protein forms K13194*, K10760*, K11687*.
Identifiers: ClinVar variation 1502813 (VCV001502813.7), dbSNP rs2154249634, ClinGen allele CA349454265.
Genomic context (GRCh38, chr2:178,651,288, plus strand): 5'-ATTAGTGACATGTACCTTTTGCTGGTGGGACTTCTGGCTTTTTGGGAACAGCTACTTTCT[T>A]TTCTGGAACAACTTCTTTTGGAACTTCAGGCACTTCAAATATATTAGTATTTTAACATTA-3'